The following is an entry in ClinVar:

NM_001394062.1(MACF1):c.19415A>T (p.Gln6472Leu)

Gene: MACF1 (microtubule actin crosslinking factor 1; plus strand). Cytogenetic location: 1p34.3.
Variant type: single nucleotide variant.
Coding change: c.19415A>T on transcript NM_001394062.1 (MANE Select); coding-DNA position 19415, A replaced by T.
Protein change: p.Gln6472Leu; replaces glutamine 6472 with leucine.
Molecular consequence: missense variant.
Genome position (GRCh38, 1-based): chr1:39,443,558, A>T. VCF-style: chr1-39443558-A-T. GRCh37 (hg19) VCF-style: chr1-39909230-A-T.
Other names: c.7493A>T, p.Gln2498Leu (NM_001397473.1); c.13238A>T, p.Gln4413Leu (NM_012090.5); short protein forms Q4413L, Q6472L, Q2498L.
Identifiers: ClinVar variation 4996016 (VCV004996016.1).

ClinVar aggregate classification (germline): Uncertain significance (1 of 4 stars; one submission).

Conditions:
MACF1-related disorder. Also called: MACF1-related condition.

Submission:

PreventionGenetics, part of Exact Sciences
Classification: Uncertain significance for MACF1-related condition. Last evaluated: 2026-04-08. Review status: criteria provided, single submitter. Criteria: ACMG Guidelines, 2015. Collection method: clinical testing. Allele origin: germline.
Comment: The MACF1 c.13238A>T variant is predicted to result in the amino acid substitution p.Gln4413Leu. To our knowledge, this variant has not been reported in the literature or in a large population database (gnomAD), indicating this variant is rare. At this time, the clinical significance of this variant is uncertain due to the absence of conclusive functional and genetic evidence.